The following is an entry in ClinVar:

ClinVar aggregate classification (germline): Benign/Likely benign. Review status: criteria provided, multiple submitters, no conflicts (2 of 4 stars). 6 submissions from 6 submitters: Benign (1); Likely benign (4). 1 of the submissions does not count toward it. Last evaluated 2026-06-15.

Conditions:
ADNP-related multiple congenital anomalies - intellectual disability - autism spectrum disorder. Also called: Helsmoortel-Van der Aa Syndrome; ADNP-Related Helsmoortel-Van der Aa Syndrome. Identifiers: Orphanet 404448, MedGen C4014538, MONDO:0014379, OMIM 615873. Disease mechanism: loss of function.
Inborn genetic diseases. Identifiers: MedGen C0950123, MeSH D030342.
ADNP-related disorder. Also called: ADNP-related condition.

Allele frequency attached by ClinVar (database versions not stated): gnomAD exomes 0.00004 and 0.00009; ExAC 0.00007; gnomAD 0.00042 and 0.00046; TOPMed 0.00049; ESP Exome Variant Server 0.00062.
gnomAD v4.1: 127 of 1,614,060 alleles (0.0079%); highest among the groups gnomAD compares: African/African-American, 0.16%; 1 homozygote.

Submissions (6):

Women's Health and Genetics/Laboratory Corporation of America, LabCorp
Classification: Likely benign. Last evaluated: 2026-06-15. Review status: criteria provided, single submitter. Criteria: LabCorp Variant Classification Summary - May 2015. Collection method: clinical testing. Allele origin: germline.
Comment: Variant summary: ADNP c.3058C>G (p.Gln1020Glu) results in a conservative amino acid change in the encoded protein sequence. Algorithms developed to predict the effect of missense changes on protein structure and function all suggest that this variant is likely to be tolerated. The variant allele was found at a frequency of 9.2e-05 in 251282 control chromosomes, predominantly at a frequency of 0.0013 within the African or African-American subpopulation in the gnomAD database. The observed variant frequency within African or African-American control individuals in the gnomAD database exceeds the estimated maximal expected allele frequency for disease-causing variants in ADNP. To our knowledge, no occurrence of c.3058C>G in individuals affected with ADNP-related conditions and no experimental evidence demonstrating its impact on protein function have been reported. ClinVar contains an entry for this variant (Variation ID: 1278536). Based on the evidence outlined above, the variant was classified as likely benign.

Labcorp Genetics (formerly Invitae), Labcorp
Classification: Likely benign. Last evaluated: 2025-11-05. Review status: criteria provided, single submitter. Criteria: Invitae Variant Classification Sherloc (09022015). Collection method: clinical testing. Allele origin: germline.

Ambry Genetics
Classification: Likely benign for Inborn genetic diseases. Last evaluated: 2022-09-29. Review status: criteria provided, single submitter. Criteria: Ambry Variant Classification Scheme 2023. Collection method: clinical testing. Allele origin: germline.

Fulgent Genetics
Classification: Likely benign for ADNP-related multiple congenital anomalies - intellectual disability - autism spectrum disorder. Last evaluated: 2021-07-07. Review status: criteria provided, single submitter. Criteria: ACMG Guidelines, 2015. Collection method: clinical testing. Allele origin: unknown.

GeneDx
Classification: Benign. Last evaluated: 2021-03-29. Review status: criteria provided, single submitter. Criteria: GeneDx Variant Classification Process June 2021. Collection method: clinical testing. Allele origin: germline. Affected: yes.

PreventionGenetics, part of Exact Sciences
Classification: Likely benign for ADNP-related condition. Last evaluated: 2022-02-01. Review status: no assertion criteria provided. Collection method: clinical testing. Allele origin: germline. Not counted in ClinVar's aggregate classification.
Comment: This variant is classified as likely benign based on ACMG/AMP sequence variant interpretation guidelines (Richards et al. 2015 PMID: 25741868, with internal and published modifications).

NM_001282531.3(ADNP):c.3058C>G (p.Gln1020Glu)

Gene: ADNP (activity dependent neuroprotector homeobox; minus strand). Cytogenetic location: 20q13.13.
Variant type: single nucleotide variant.
Coding change: c.3058C>G on transcript NM_001282531.3 (MANE Select); coding-DNA position 3058, C replaced by G.
Protein change: p.Gln1020Glu; replaces glutamine 1020 with glutamic acid.
Molecular consequence: missense variant.
Genome position (GRCh38, 1-based): chr20:50,891,656, G>C on the plus strand (C>G on the coding strand, the complement: ADNP is on the minus strand). VCF-style: chr20-50891656-G-C. GRCh37 (hg19) VCF-style: chr20-49508193-G-C.
Other names: c.3058C>G, p.Gln1020Glu (NM_001282532.2, NM_001347511.2, NM_015339.5 and 1 more transcripts); c.3058C>G (NM_001282531.2); short protein forms Q1020E.
Identifiers: ClinVar variation 1278536 (VCV001278536.11), dbSNP rs150374762, ClinGen allele CA9908458.